The following is an entry in ClinVar:

ClinVar aggregate classification (germline): Uncertain significance (1 of 4 stars; one submission).

Submission:

Labcorp Genetics (formerly Invitae), Labcorp
Classification: Uncertain significance. Last evaluated: 2022-07-19. Review status: criteria provided, single submitter. Criteria: Invitae Variant Classification Sherloc (09022015). Collection method: clinical testing. Allele origin: germline.
Comment: This sequence change replaces proline, which is neutral and non-polar, with serine, which is neutral and polar, at codon 1774 of the UNC80 protein (p.Pro1774Ser). This variant is not present in population databases (gnomAD no frequency). Algorithms developed to predict the effect of missense changes on protein structure and function are either unavailable or do not agree on the potential impact of this missense change (SIFT: "Not Available"; PolyPhen-2: "Benign"; Align-GVGD: "Not Available"). In summary, the available evidence is currently insufficient to determine the role of this variant in disease. Therefore, it has been classified as a Variant of Uncertain Significance. This variant has not been reported in the literature in individuals affected with UNC80-related conditions.

NM_001371986.1(UNC80):c.5518C>T (p.Pro1840Ser)

Gene: UNC80 (unc-80 subunit of NALCN channel complex; plus strand). Cytogenetic location: 2q34.
Variant type: single nucleotide variant.
Coding change: c.5518C>T on transcript NM_001371986.1 (MANE Select); coding-DNA position 5518, C replaced by T.
Protein change: p.Pro1840Ser; replaces proline 1840 with serine.
Molecular consequence: missense variant.
Genome position (GRCh38, 1-based): chr2:209,921,674, C>T. VCF-style: chr2-209921674-C-T. GRCh37 (hg19) VCF-style: chr2-210786398-C-T.
Other names: c.5320C>T, p.Pro1774Ser (NM_032504.2); c.5305C>T, p.Pro1769Ser (NM_182587.4); short protein forms P1769S, P1774S, P1840S.
Identifiers: ClinVar variation 1718988 (VCV001718988.5), dbSNP rs2471133098, ClinGen allele CA350762308.